The following is an entry in ClinVar:

NM_000038.6(APC):c.136-14G>A

Gene: APC (APC regulator of Wnt signaling pathway; plus strand). Cytogenetic location: 5q22.2.
Variant type: single nucleotide variant.
Coding change: c.136-14G>A on transcript NM_000038.6 (MANE Select); 14 bases into the intron before coding-DNA position 136, G replaced by A.
Molecular consequence: intron variant.
Genome position (GRCh38, 1-based): chr5:112,766,312, G>A. VCF-style: chr5-112766312-G-A. GRCh37 (hg19) VCF-style: chr5-112102009-G-A.
Other names: c.136-14G>A (NM_001354895.2, NM_001127510.3, NM_001354896.2 and 2 more transcripts); c.166-14G>A (NM_001354897.2, NM_001354902.2, NM_001127511.3); c.61-14G>A (NM_001354898.2, NM_001354904.2); c.-900-14G>A (NM_001354906.2); c.-42-14G>A (NM_001354900.2, NM_001354901.2, NM_001354905.2).
Identifiers: ClinVar variation 2149445 (VCV002149445.5), dbSNP rs747757945, ClinGen allele CA027272.

ClinVar aggregate classification (germline): Likely benign. Review status: criteria provided, multiple submitters, no conflicts (2 of 4 stars). 2 submissions from 2 submitters: Likely benign (2). Last evaluated 2024-12-29.

Conditions:
Familial adenomatous polyposis 1 (FAP1). Also called: FAMILIAL ADENOMATOUS POLYPOSIS 1, ATTENUATED; POLYPOSIS, ADENOMATOUS INTESTINAL. Identifiers: MedGen C2713442, MONDO:0021056, OMIM 175100. Disease mechanism: loss of function.

Allele frequency attached by ClinVar (database versions not stated): gnomAD exomes below 0.00001; ExAC 0.00001.
gnomAD v4.1: 4 of 1,525,854 alleles (0.00026%); highest among the groups gnomAD compares: Admixed American, 0.0017%; no homozygotes.

Submissions (2):

Labcorp Genetics (formerly Invitae), Labcorp
Classification: Likely benign for Familial adenomatous polyposis 1. Last evaluated: 2024-12-29. Review status: criteria provided, single submitter. Criteria: Invitae Variant Classification Sherloc (09022015). Collection method: clinical testing. Allele origin: germline.

Myriad Genetics, Inc.
Classification: Likely benign for Familial adenomatous polyposis 1. Last evaluated: 2024-02-22. Review status: criteria provided, single submitter. Criteria: Myriad Autosomal Dominant, Autosomal Recessive and X-Linked Classification Criteria (2023). Collection method: clinical testing. Allele origin: unknown.
Comment: This variant is considered likely benign. This variant is intronic and is not expected to impact mRNA splicing.